The following is an entry in ClinVar:

NM_174936.4(PCSK9):c.1728G>A (p.Pro576=)

Gene: PCSK9 (proprotein convertase subtilisin/kexin type 9; plus strand). Cytogenetic location: 1p32.3.
Variant type: single nucleotide variant.
Coding change: c.1728G>A on transcript NM_174936.4 (MANE Select); coding-DNA position 1728, G replaced by A.
Protein change: p.Pro576=; no amino-acid change (proline 576 retained).
Molecular consequence: synonymous variant. On other transcripts: non-coding transcript variant (8).
Genome position (GRCh38, 1-based): chr1:55,061,421, G>A. VCF-style: chr1-55061421-G-A. GRCh37 (hg19) VCF-style: chr1-55527094-G-A.
Other names: c.1851G>A, p.Pro617= (NM_001407240.1); c.1770G>A, p.Pro590= (NM_001407241.1); c.1731G>A, p.Pro577= (NM_001407242.1); c.1671G>A, p.Pro557= (NM_001407243.1); c.1554G>A, p.Pro518= (NM_001407244.1); c.1536G>A, p.Pro512= (NM_001407245.1); c.1353G>A, p.Pro451= (NM_001407246.1); c.1227G>A, p.Pro409= (NM_001407247.1).
Identifiers: ClinVar variation 702402 (VCV000702402.21), dbSNP rs755272637, ClinGen allele CA038663.

ClinVar aggregate classification (germline): Likely benign. Review status: criteria provided, multiple submitters, no conflicts (2 of 4 stars). 7 submissions from 7 submitters: Likely benign (7). Last evaluated 2025-04-09.

Conditions:
Familial hypercholesterolemia. Also called: Familial hypercholesterolaemia; Familial hypercholesterolemias. Identifiers: MedGen C0020445, MONDO:0005439.
Cardiovascular phenotype. Identifiers: MedGen CN230736.
Hypercholesterolemia, autosomal dominant, 3 (FHCL3). Also called: Familial Hypercholesterolemia, Autosomal Dominant, 3; PCSK9-Related Familial Hypercholesterolemia, Autosomal Dominant; Familial hypercholesterolemia 3. Identifiers: MedGen C1863551, MONDO:0011369, OMIM 603776.

Allele frequency attached by ClinVar (database versions not stated): gnomAD 0.00001; gnomAD exomes 0.00002 and 0.00003; TOPMed 0.00002; ExAC 0.00009.
gnomAD v4.1: 36 of 1,610,600 alleles (0.0022%); highest among the groups gnomAD compares: South Asian, 0.023%; 1 homozygote.

Submissions (7):

Molecular Diagnostic Laboratory for Inherited Cardiovascular Disease, Montreal Heart Institute
Classification: Likely benign. Last evaluated: 2025-04-09. Review status: criteria provided, single submitter. Criteria: ACMG Guidelines, 2015. Collection method: clinical testing. Allele origin: germline. Affected: no.

Labcorp Genetics (formerly Invitae), Labcorp
Classification: Likely benign for Hypercholesterolemia, autosomal dominant, 3. Last evaluated: 2025-01-14. Review status: criteria provided, single submitter. Criteria: Invitae Variant Classification Sherloc (09022015). Collection method: clinical testing. Allele origin: germline.

GENinCode PLC
Classification: Likely benign for Familial hypercholesterolemia. Last evaluated: 2025-01-10. Review status: criteria provided, single submitter. Criteria: ACMG Guidelines, 2015. Collection method: clinical testing. Allele origin: germline.
Comment: This is a synonymous (silent) variant that is not predicted to impact splicing and occurs at a nucleotide which is not highly conserved. This variant has been classified as Likely Benign (BP4, BP7).

Women's Health and Genetics/Laboratory Corporation of America, LabCorp
Classification: Likely benign. Last evaluated: 2024-03-28. Review status: criteria provided, single submitter. Criteria: LabCorp Variant Classification Summary - May 2015. Collection method: clinical testing. Allele origin: germline.

All of Us Research Program, National Institutes of Health
Classification: Likely benign for Hypercholesterolemia, autosomal dominant, 3. Last evaluated: 2023-12-18. Review status: criteria provided, single submitter. Criteria: ACMG Guidelines, 2015. Collection method: clinical testing. Allele origin: germline. Inheritance: Autosomal dominant inheritance. Observed: 4 variant alleles, 4 heterozygotes.
Comment: This study involves interpretation of variants in research participants for the purpose of population health screening. Participant phenotype was not available at the time of variant classification. Additional details can be found in publication PMID: 35346344, PMCID: PMC8962531

Ambry Genetics
Classification: Likely benign for Cardiovascular phenotype. Last evaluated: 2019-05-19. Review status: criteria provided, single submitter. Criteria: Ambry Variant Classification Scheme 2023. Collection method: clinical testing. Allele origin: germline.

Color Diagnostics, LLC DBA Color Health
Classification: Likely benign for Familial hypercholesterolemia. Last evaluated: 2018-10-24. Review status: criteria provided, single submitter. Criteria: ACMG Guidelines, 2015. Collection method: clinical testing. Allele origin: germline.